The following is an entry in ClinVar:

NM_006019.4(TCIRG1):c.1929G>A (p.Met643Ile)

Gene: TCIRG1 (T cell immune regulator 1, ATPase H+ transporting V0 subunit a3; plus strand). Cytogenetic location: 11q13.2.
Variant type: single nucleotide variant.
Coding change: c.1929G>A on transcript NM_006019.4 (MANE Select); coding-DNA position 1929, G replaced by A.
Protein change: p.Met643Ile; replaces methionine 643 with isoleucine.
Molecular consequence: missense variant.
Genome position (GRCh38, 1-based): chr11:68,049,704, G>A. VCF-style: chr11-68049704-G-A. GRCh37 (hg19) VCF-style: chr11-67817171-G-A.
Other names: c.1035G>A, p.Met345Ile (NM_001351059.2); c.1281G>A, p.Met427Ile (NM_006053.4); short protein forms M345I, M427I, M643I.
Identifiers: ClinVar variation 3612294 (VCV003612294.2).
Genomic context (GRCh38, chr11:68,049,704, plus strand): 5'-CTCGCCCTCTCCCTGGCAGGAGGTGGTCCAGGCCACGCTGGTGGTCCTGGCCTTGGCCAT[G>A]GTGCCCATCCTGCTGCTTGGCACACCCCTGCACCTGCTGCACCGCCACCGCCGCCGCCTG-3'
Protein context (NP_006010.2, residues 633-653): QATLVVLALA[Met643Ile]VPILLLGTPL

ClinVar aggregate classification (germline): Uncertain significance (1 of 4 stars; one submission).

Submission:

Labcorp Genetics (formerly Invitae), Labcorp
Classification: Uncertain significance. Last evaluated: 2024-10-21. Review status: criteria provided, single submitter. Criteria: Invitae Variant Classification Sherloc (09022015). Collection method: clinical testing. Allele origin: germline.
Comment: This sequence change replaces methionine, which is neutral and non-polar, with isoleucine, which is neutral and non-polar, at codon 643 of the TCIRG1 protein (p.Met643Ile). This variant is not present in population databases (gnomAD no frequency). This variant has not been reported in the literature in individuals affected with TCIRG1-related conditions. Invitae Evidence Modeling of protein sequence and biophysical properties (such as structural, functional, and spatial information, amino acid conservation, physicochemical variation, residue mobility, and thermodynamic stability) indicates that this missense variant is not expected to disrupt TCIRG1 protein function with a negative predictive value of 80%. In summary, the available evidence is currently insufficient to determine the role of this variant in disease. Therefore, it has been classified as a Variant of Uncertain Significance.